The following is an entry in ClinVar:

ClinVar aggregate classification (germline): Uncertain significance (1 of 4 stars; one submission).

Conditions:
Intellectual developmental disorder, autosomal dominant 50, with behavioral abnormalities. Also called: Intellectual disability, autosomal dominant 50; MENTAL RETARDATION, AUTOSOMAL DOMINANT 50. Identifiers: MedGen C4540470, MONDO:0030916, OMIM 617787.

Submission:

New York Genome Center
Classification: Uncertain significance for Intellectual developmental disorder, autosomal dominant 50, with behavioral abnormalities. Last evaluated: 2021-09-03. Review status: criteria provided, single submitter. Criteria: NYGC Assertion Criteria 2020. Collection method: clinical testing. Allele origin: inherited. Observed: 1 heterozygote. Study: CSER-NYCKidSeq.
Comment: The inherited heterozygous c.1493T>G (p.Met498Arg) missense variant identified in the NAA15 gene has not been reported in affected individuals in the literature. The variant is absent from gnomAD(v3) database suggesting it is not a common benign variant in the populations represented in that database. The variant affects an evolutionarily conserved residue. In silico tools provide conflicting predictions about potential pathogenicity of this variant (CADDscore = 23.3, REVEL score = 0.308). Based on the available evidence, the inherited heterozygous c.1493T>G (p.Met498Arg) missense variant identified in the NAA15 gene is reported as a Variant of Uncertain Significance.

NM_057175.5(NAA15):c.1493T>G (p.Met498Arg)

Gene: NAA15 (N-alpha-acetyltransferase 15, NatA auxiliary subunit; plus strand). Cytogenetic location: 4q31.1.
Variant type: single nucleotide variant.
Coding change: c.1493T>G on transcript NM_057175.5 (MANE Select); coding-DNA position 1493, T replaced by G.
Protein change: p.Met498Arg; replaces methionine 498 with arginine.
Molecular consequence: missense variant.
Genome position (GRCh38, 1-based): chr4:139,360,582, T>G. VCF-style: chr4-139360582-T-G. GRCh37 (hg19) VCF-style: chr4-140281736-T-G.
Other names: short protein forms M498R.
Identifiers: ClinVar variation 1701724 (VCV001701724.1), dbSNP rs2110957042, ClinGen allele CA358267821.